The following is an entry in ClinVar:

NM_001348800.3(ZBTB20):c.2041G>T (p.Val681Leu)

Gene: ZBTB20 (zinc finger and BTB domain containing 20; minus strand). Cytogenetic location: 3q13.31.
Variant type: single nucleotide variant.
Coding change: c.2041G>T on transcript NM_001348800.3 (MANE Select); coding-DNA position 2041, G replaced by T.
Protein change: p.Val681Leu; replaces valine 681 with leucine.
Molecular consequence: missense variant. On other transcripts: non-coding transcript variant (1).
Genome position (GRCh38, 1-based): chr3:114,339,190, C>A on the plus strand (G>T on the coding strand, the complement: ZBTB20 is on the minus strand). VCF-style: chr3-114339190-C-A. GRCh37 (hg19) VCF-style: chr3-114058037-C-A.
Other names: c.2041G>T, p.Val681Leu (NM_001164342.2, NM_001393394.1, NM_001348803.3 and 1 more transcripts); c.1822G>T, p.Val608Leu (NM_001164343.2, NM_001164344.4, NM_001164345.4 and 9 more transcripts); short protein forms V681L, V608L.
Identifiers: ClinVar variation 2866026 (VCV002866026.3), dbSNP rs149518419, ClinGen allele CA353999837.

ClinVar aggregate classification (germline): Uncertain significance (1 of 4 stars; one submission).

gnomAD v4.1: 4 of 1,614,224 alleles (0.00025%); highest among the groups gnomAD compares: Non-Finnish European, 0.00034%; no homozygotes.

Submission:

Labcorp Genetics (formerly Invitae), Labcorp
Classification: Uncertain significance. Last evaluated: 2023-05-19. Review status: criteria provided, single submitter. Criteria: Invitae Variant Classification Sherloc (09022015). Collection method: clinical testing. Allele origin: germline.
Comment: This variant has not been reported in the literature in individuals affected with ZBTB20-related conditions. This variant is not present in population databases (gnomAD no frequency). This sequence change replaces valine, which is neutral and non-polar, with leucine, which is neutral and non-polar, at codon 681 of the ZBTB20 protein (p.Val681Leu). In summary, the available evidence is currently insufficient to determine the role of this variant in disease. Therefore, it has been classified as a Variant of Uncertain Significance. Advanced modeling of protein sequence and biophysical properties (such as structural, functional, and spatial information, amino acid conservation, physicochemical variation, residue mobility, and thermodynamic stability) has been performed at Invitae for this missense variant, however the output from this modeling did not meet the statistical confidence thresholds required to predict the impact of this variant on ZBTB20 protein function.